The following is an entry in ClinVar:

ClinVar aggregate classification (germline): Uncertain significance. Review status: criteria provided, multiple submitters, no conflicts (2 of 4 stars). 2 submissions from 2 submitters: Uncertain significance (2). Last evaluated 2023-10-17.

Conditions:
Inborn genetic diseases. Identifiers: MedGen C0950123, MeSH D030342.
Granulomatous disease, chronic, autosomal recessive, cytochrome b-positive, type 2. Also called: Chronic Granulomatous Disease, Autosomal Recessive, Cytochrome b-Positive, Type II; CGD, AUTOSOMAL RECESSIVE CYTOCHROME b-POSITIVE, TYPE II; GRANULOMATOUS DISEASE, CHRONIC, AUTOSOMAL RECESSIVE, 2; GRANULOMATOUS DISEASE, CHRONIC, DUE TO NCF2 DEFICIENCY; Chronic granulomatous disease due to deficiency of NCF-2. Identifiers: Orphanet 379, MedGen C1856245, MONDO:0009310, OMIM 233710.

Allele frequency attached by ClinVar (database versions not stated): gnomAD exomes 0.00005 and 0.00012; TOPMed 0.00005; gnomAD 0.00007; ExAC 0.00008.

Submissions (2):

Ambry Genetics
Classification: Uncertain significance for Inborn genetic diseases. Last evaluated: 2023-10-17. Review status: criteria provided, single submitter. Criteria: Ambry Variant Classification Scheme 2023. Collection method: clinical testing. Allele origin: germline.

Labcorp Genetics (formerly Invitae), Labcorp
Classification: Uncertain significance for Granulomatous disease, chronic, autosomal recessive, cytochrome b-positive, type 2. Last evaluated: 2022-04-06. Review status: criteria provided, single submitter. Criteria: Invitae Variant Classification Sherloc (09022015). Collection method: clinical testing. Allele origin: germline.
Comment: This sequence change replaces arginine, which is basic and polar, with tryptophan, which is neutral and slightly polar, at codon 38 of the NCF2 protein (p.Arg38Trp). This variant is present in population databases (rs200824291, gnomAD 0.2%). This variant has not been reported in the literature in individuals affected with NCF2-related conditions. ClinVar contains an entry for this variant (Variation ID: 641200). Algorithms developed to predict the effect of missense changes on protein structure and function (SIFT, PolyPhen-2, Align-GVGD) all suggest that this variant is likely to be disruptive. In summary, the available evidence is currently insufficient to determine the role of this variant in disease. Therefore, it has been classified as a Variant of Uncertain Significance.

NM_000433.4(NCF2):c.112C>T (p.Arg38Trp)

Gene: NCF2 (neutrophil cytosolic factor 2; minus strand). Cytogenetic location: 1q25.3.
Variant type: single nucleotide variant.
Coding change: c.112C>T on transcript NM_000433.4 (MANE Select); coding-DNA position 112, C replaced by T.
Protein change: p.Arg38Trp; replaces arginine 38 with tryptophan.
Molecular consequence: missense variant.
Genome position (GRCh38, 1-based): chr1:183,590,218, G>A on the plus strand (C>T on the coding strand, the complement: NCF2 is on the minus strand). VCF-style: chr1-183590218-G-A. GRCh37 (hg19) VCF-style: chr1-183559353-G-A.
Other names: c.112C>T, p.Arg38Trp (NM_001127651.3, NM_001190789.2, NM_001190794.2); short protein forms R38W.
Identifiers: ClinVar variation 641200 (VCV000641200.7), dbSNP rs200824291, ClinGen allele CA1285056.